The following is an entry in ClinVar:

NM_001384140.1(PCDH15):c.2782A>T (p.Lys928Ter)

Gene: PCDH15 (protocadherin related 15; minus strand). Cytogenetic location: 10q21.1.
Variant type: single nucleotide variant.
Coding change: c.2782A>T on transcript NM_001384140.1 (MANE Select); coding-DNA position 2782, A replaced by T.
Protein change: p.Lys928Ter; replaces lysine 928 with a stop codon.
Molecular consequence: nonsense.
Genome position (GRCh38, 1-based): chr10:53,995,735, T>A on the plus strand (A>T on the coding strand, the complement: PCDH15 is on the minus strand). VCF-style: chr10-53995735-T-A. GRCh37 (hg19) VCF-style: chr10-55755495-T-A.
Other names: c.2797A>T, p.Lys933Ter (NM_001142763.2, NM_001142771.2); c.2782A>T, p.Lys928Ter (NM_001142764.2, NM_001142766.2, NM_001142770.3 and 5 more transcripts); c.2569A>T, p.Lys857Ter (NM_001142765.2); c.2671A>T, p.Lys891Ter (NM_001142767.2); c.2716A>T, p.Lys906Ter (NM_001142768.2, NM_001142773.2, NM_001354404.2); c.2818A>T, p.Lys940Ter (NM_001142769.4); c.2803A>T, p.Lys935Ter (NM_001354411.2); short protein forms K857*, K891*, K906*, K928*, K933*, K935*, K940*.
Identifiers: ClinVar variation 2677532 (VCV002677532.3), dbSNP rs2538939518, ClinGen allele CA376515471.

ClinVar aggregate classification (germline): Pathogenic. Review status: criteria provided, multiple submitters, no conflicts (2 of 4 stars). 2 submissions from 2 submitters: Pathogenic (2). Last evaluated 2024-08-01.

Conditions:
Autosomal recessive nonsyndromic hearing loss 23. Identifiers: Orphanet 90636, MedGen C1836027, MONDO:0012293, OMIM 609533.

Submissions (2):

Labcorp Genetics (formerly Invitae), Labcorp
Classification: Pathogenic. Last evaluated: 2024-08-01. Review status: criteria provided, single submitter. Criteria: Invitae Variant Classification Sherloc (09022015). Collection method: clinical testing. Allele origin: germline.
Comment: This sequence change creates a premature translational stop signal (p.Lys928*) in the PCDH15 gene. It is expected to result in an absent or disrupted protein product. Loss-of-function variants in PCDH15 are known to be pathogenic (PMID: 11398101, 11487575, 14570705). This variant is not present in population databases (gnomAD no frequency). This premature translational stop signal has been observed in individual(s) with Usher syndrome (PMID: 22815625). For these reasons, this variant has been classified as Pathogenic.

Baylor Genetics
Classification: Pathogenic for Autosomal recessive nonsyndromic hearing loss 23. Last evaluated: 2023-10-12. Review status: criteria provided, single submitter. Criteria: ACMG Guidelines, 2015. Collection method: clinical testing. Allele origin: unknown.

Literature cited by the submitters: PubMed 11398101 (cited by Labcorp Genetics (formerly Invitae), Labcorp); PubMed 11487575 (cited by Labcorp Genetics (formerly Invitae), Labcorp); PubMed 14570705 (cited by Labcorp Genetics (formerly Invitae), Labcorp); PubMed 22815625 (cited by Labcorp Genetics (formerly Invitae), Labcorp).